The following is an entry in ClinVar:

NM_023036.6(DNAI2):c.1459_1460delinsCATT (p.Thr487fs)

Gene: DNAI2 (dynein axonemal intermediate chain 2; plus strand). Cytogenetic location: 17q25.1.
Variant type: Indel.
Coding change: c.1459_1460delinsCATT on transcript NM_023036.6 (MANE Select); coding-DNA positions 1459 to 1460, AC replaced by CATT.
Protein change: p.Thr487fs; shifts the reading frame from threonine 487.
Molecular consequence: frameshift variant. On other transcripts: non-coding transcript variant (1).
Genome position (GRCh38, 1-based): chr17:74,310,128-74,310,129, AC replaced by CATT. VCF-style: chr17-74310128-AC-CATT. GRCh37 (hg19) VCF-style: chr17-72306267-AC-CATT.
Other names: c.1423_1424delinsCATT, p.Thr475fs (NM_001172810.3); c.1459_1460delinsCATT, p.Thr487fs (NM_001353167.2); short protein forms T487fs, T475fs.
Identifiers: ClinVar variation 646373 (VCV000646373.7), dbSNP rs1598342751, ClinGen allele CA915951343.
Genomic context (GRCh38, chr17:74,310,128, plus strand): 5'-ATCGCCTGCGGCTCCCAGCTGGGGACAACCACCCTGCTGGAGGTCTCGCCTGGGCTCTCT[AC>CATT]CCTCCAGAGGAATGAGAAGAACGTAGCCTCTTCCGTAAGCACCGGGTGCCTGGGGAAAAT-3'

ClinVar aggregate classification (germline): Pathogenic. Review status: criteria provided, multiple submitters, no conflicts (2 of 4 stars). 2 submissions from 2 submitters: Pathogenic (2). Last evaluated 2026-02-01.

Conditions:
Primary ciliary dyskinesia. Also called: Ciliary dyskinesia. Identifiers: Orphanet 244, MedGen C0008780, MONDO:0016575, HP:0012265.
Primary ciliary dyskinesia 9. Also called: CILIARY DYSKINESIA, PRIMARY, 9, WITH OR WITHOUT SITUS INVERSUS. Identifiers: Orphanet 244, MedGen C2676235, MONDO:0012906, OMIM 612444.

Submissions (2):

Myriad Genetics, Inc.
Classification: Pathogenic for Primary ciliary dyskinesia 9. Last evaluated: 2026-02-01. Review status: criteria provided, single submitter. Criteria: Myriad Autosomal Dominant, Autosomal Recessive and X-Linked Classification Criteria (2023). Collection method: clinical testing. Allele origin: unknown.
Comment: NM_023036.4(DNAI2):c.1459_1460delACinsCATT(T487Hfs*10) is expected to be pathogenic in the context of primary ciliary dyskinesia, DNAI2-related. This variant is predicted to lead to an abnormal or absent protein product due to the creation of a premature termination codon in DNAI2, a gene where loss-of-function variants are known to be pathogenic. Please note: this variant was assessed in the context of healthy population screening.

Labcorp Genetics (formerly Invitae), Labcorp
Classification: Pathogenic for Primary ciliary dyskinesia. Last evaluated: 2022-09-01. Review status: criteria provided, single submitter. Criteria: Invitae Variant Classification Sherloc (09022015). Collection method: clinical testing. Allele origin: germline.
Comment: This sequence change creates a premature translational stop signal (p.Thr487Hisfs*10) in the DNAI2 gene. It is expected to result in an absent or disrupted protein product. Loss-of-function variants in DNAI2 are known to be pathogenic (PMID: 18950741, 23891469). For these reasons, this variant has been classified as Pathogenic. This variant has not been reported in the literature in individuals affected with DNAI2-related conditions. Information on the frequency of this variant in the gnomAD database is not available, as this variant may be reported differently in the database.

Literature cited by the submitters: PubMed 18950741 (cited by Labcorp Genetics (formerly Invitae), Labcorp); PubMed 23891469 (cited by Labcorp Genetics (formerly Invitae), Labcorp).